The following is an entry in ClinVar:

NM_005033.3(EXOSC9):c.60G>C (p.Glu20Asp)

Gene: EXOSC9 (exosome component 9; plus strand). Cytogenetic location: 4q27.
Variant type: single nucleotide variant.
Coding change: c.60G>C on transcript NM_005033.3 (MANE Select); coding-DNA position 60, G replaced by C.
Protein change: p.Glu20Asp; replaces glutamic acid 20 with aspartic acid.
Molecular consequence: missense variant.
Genome position (GRCh38, 1-based): chr4:121,801,484, G>C. VCF-style: chr4-121801484-G-C. GRCh37 (hg19) VCF-style: chr4-122722639-G-C.
Other names: c.60G>C, p.Glu20Asp (NM_001034194.2); short protein forms E20D.
Identifiers: ClinVar variation 2070345 (VCV002070345.4), dbSNP rs759566232, ClinGen allele CA358041064.

ClinVar aggregate classification (germline): Uncertain significance (1 of 4 stars; one submission).

gnomAD v4.1: 3 of 1,614,212 alleles (0.00019%); highest among the groups gnomAD compares: Non-Finnish European, 0.00025%; no homozygotes.

Submission:

Labcorp Genetics (formerly Invitae), Labcorp
Classification: Uncertain significance. Last evaluated: 2022-05-30. Review status: criteria provided, single submitter. Criteria: Invitae Variant Classification Sherloc (09022015). Collection method: clinical testing. Allele origin: germline.
Comment: This sequence change replaces glutamic acid, which is acidic and polar, with aspartic acid, which is acidic and polar, at codon 20 of the EXOSC9 protein (p.Glu20Asp). This variant is not present in population databases (gnomAD no frequency). This variant has not been reported in the literature in individuals affected with EXOSC9-related conditions. Algorithms developed to predict the effect of missense changes on protein structure and function are either unavailable or do not agree on the potential impact of this missense change (SIFT: "Deleterious"; PolyPhen-2: "Benign"; Align-GVGD: "Class C0"). In summary, the available evidence is currently insufficient to determine the role of this variant in disease. Therefore, it has been classified as a Variant of Uncertain Significance.